The following is an entry in ClinVar:

NM_032043.3(BRIP1):c.2257G>T (p.Asp753Tyr)

Gene: BRIP1 (BRCA1 interacting DNA helicase 1; minus strand). Cytogenetic location: 17q23.2.
Variant type: single nucleotide variant.
Coding change: c.2257G>T on transcript NM_032043.3 (MANE Select); coding-DNA position 2257, G replaced by T.
Protein change: p.Asp753Tyr; replaces aspartic acid 753 with tyrosine.
Molecular consequence: missense variant.
Genome position (GRCh38, 1-based): chr17:61,744,432, C>A on the plus strand (G>T on the coding strand, the complement: BRIP1 is on the minus strand). VCF-style: chr17-61744432-C-A. GRCh37 (hg19) VCF-style: chr17-59821793-C-A.
Other names: short protein forms D753Y.
Identifiers: ClinVar variation 3482408 (VCV003482408.1).

ClinVar aggregate classification (germline): Uncertain significance (1 of 4 stars; one submission).

Conditions:
Hereditary cancer-predisposing syndrome. Also called: Tumor predisposition; Neoplastic Syndromes, Hereditary; Hereditary Cancer Syndrome; Hereditary neoplastic syndrome. Identifiers: Orphanet 140162, MedGen C0027672, MeSH D009386, MONDO:0015356.

Submission:

Ambry Genetics
Classification: Uncertain significance for Hereditary cancer-predisposing syndrome. Last evaluated: 2024-11-18. Review status: criteria provided, single submitter. Criteria: Ambry Variant Classification Scheme 2023. Collection method: clinical testing. Allele origin: germline.
Comment: The c.2257G>T variant (also known as p.D753Y), located in coding exon 14 of the BRIP1 gene, results from a G to T substitution at nucleotide position 2257. The amino acid change results in aspartic acid to tyrosine at codon 753, an amino acid with highly dissimilar properties. However, this change occurs in the last base pair of coding exon 14, which makes it likely to have some effect on normal mRNA splicing. This nucleotide position is highly conserved in available vertebrate species. In silico splice site analysis predicts that this alteration will weaken the native splice donor site and may result in the creation or strengthening of a novel splice donor site; however, direct evidence is insufficient at this time (Ambry internal data). In addition, this alteration is predicted to be deleterious by in silico analysis. This amino acid position is highly conserved in available vertebrate species. Based on the available evidence, the clinical significance of this variant remains unclear.